The following is an entry in ClinVar:

ClinVar aggregate classification (germline): Likely benign (1 of 4 stars; one submission).

Allele frequency attached by ClinVar (database versions not stated): ExAC 0.00146; gnomAD exomes 0.00153; ESP Exome Variant Server 0.00177; 1000 Genomes Project 30x 0.00078; 1000 Genomes Project 0.00100; TOPMed 0.00119; gnomAD 0.00143.
gnomAD v4.1: 2,469 of 1,613,656 alleles (0.15%); highest among the groups gnomAD compares: Middle Eastern, 0.41%; 4 homozygotes.

Submission:

CeGaT Center for Human Genetics Tuebingen
Classification: Likely benign. Last evaluated: 2023-02-01. Review status: criteria provided, single submitter. Criteria: CeGaT Center For Human Genetics Tuebingen Variant Classification Criteria Version 2. Collection method: clinical testing. Allele origin: germline. Affected: yes. Observed: 1 variant allele.
Comment: SLC6A19: BS2

NM_001003841.3(SLC6A19):c.1016+32G>A

Gene: SLC6A19 (solute carrier family 6 member 19; plus strand). Cytogenetic location: 5p15.33.
Variant type: single nucleotide variant.
Coding change: c.1016+32G>A on transcript NM_001003841.3 (MANE Select); 32 bases into the intron after coding-DNA position 1016, G replaced by A.
Molecular consequence: intron variant.
Genome position (GRCh38, 1-based): chr5:1,216,718, G>A. VCF-style: chr5-1216718-G-A. GRCh37 (hg19) VCF-style: chr5-1216833-G-A.
Identifiers: ClinVar variation 2655270 (VCV002655270.24), dbSNP rs150741782, ClinGen allele CA3182992.